The following is an entry in ClinVar:

ClinVar aggregate classification (germline): Uncertain significance. Review status: criteria provided, multiple submitters, no conflicts (2 of 4 stars). 4 submissions from 4 submitters: Uncertain significance (4). Last evaluated 2025-04-30.

Conditions:
PLA2G6-associated neurodegeneration (PLAN). Also called: phospholipase A2-associated neurodegeneration. Identifiers: Orphanet 329303, MedGen CN204472, MONDO:0017998.
Infantile neuroaxonal dystrophy (NBIA2A). Also called: NEURODEGENERATION WITH BRAIN IRON ACCUMULATION 2A; SEITELBERGER DISEASE; Infantile neuroaxonal dystrophy 1. Identifiers: Orphanet 35069, MedGen C0270724, MONDO:0024457, OMIM 256600.
Neurodegeneration with brain iron accumulation 2B. Also called: aNAD; atypical Neuroaxonal Dystrophy (aNAD); NEUROAXONAL DYSTROPHY, ATYPICAL; NEURODEGENERATION WITH BRAIN IRON ACCUMULATION, PLA2G6-RELATED. Identifiers: Orphanet 35069, MedGen C1857747, MONDO:0012444, OMIM 610217.
Autosomal recessive Parkinson disease 14. Also called: PARKINSON DISEASE 14; DYSTONIA-PARKINSONISM, ADULT-ONSET. Identifiers: Orphanet 199351, MedGen C2751842, MONDO:0013060, OMIM 612953.

Allele frequency attached by ClinVar (database versions not stated): ExAC 0.00008; gnomAD exomes 0.00006; gnomAD 0.00004; TOPMed 0.00004.
gnomAD v4.1: 55 of 1,613,992 alleles (0.0034%); highest among the groups gnomAD compares: Admixed American, 0.005%; no homozygotes.

Submissions (4):

Broad Center for Mendelian Genomics, Broad Institute of MIT and Harvard
Classification: Uncertain significance for PLA2G6-associated neurodegeneration. Last evaluated: 2025-04-30. Review status: criteria provided, single submitter. Criteria: ACMG Guidelines, 2015. Collection method: curation. Allele origin: germline. Inheritance: Autosomal recessive inheritance.
Comment: The p.Arg161Cys variant in PLA2G6 has been reported in one individual with PLA2G6-associated neurodegeneration (PMID: 35861376), and has been identified in 0.005% (3/60004) of Latino/Admixed American chromosomes by the Genome Aggregation Database (gnomAD; dbSNP ID: rs587784351). Although this variant has been seen in the general population in a heterozygous state, its frequency is low enough to be consistent with a recessive carrier frequency. This variant has also been reported in ClinVar (VCV001214690.10) and has been interpreted as a variant of uncertain significance by Fulgent Genetics, GeneDx, and Labcorp Genetics. Computational prediction tools and conservation analyses do not provide strong support for or against an impact to the protein. In summary, the clinical significance of the p.Arg161Cys variant is uncertain. ACMG/AMP Criteria applied: PM2_supporting (Richards 2015).

Labcorp Genetics (formerly Invitae), Labcorp
Classification: Uncertain significance for Infantile neuroaxonal dystrophy. Last evaluated: 2024-07-29. Review status: criteria provided, single submitter. Criteria: Invitae Variant Classification Sherloc (09022015). Collection method: clinical testing. Allele origin: germline.
Comment: This sequence change replaces arginine, which is basic and polar, with cysteine, which is neutral and slightly polar, at codon 161 of the PLA2G6 protein (p.Arg161Cys). This variant is present in population databases (rs767260174, gnomAD 0.01%). This missense change has been observed in individual(s) with Parkinson disease (PMID: 35861376). ClinVar contains an entry for this variant (Variation ID: 1214690). Advanced modeling of protein sequence and biophysical properties (such as structural, functional, and spatial information, amino acid conservation, physicochemical variation, residue mobility, and thermodynamic stability) performed at Invitae indicates that this missense variant is expected to disrupt PLA2G6 protein function with a positive predictive value of 80%. In summary, the available evidence is currently insufficient to determine the role of this variant in disease. Therefore, it has been classified as a Variant of Uncertain Significance.

Fulgent Genetics
Classification: Uncertain significance for Infantile neuroaxonal dystrophy; Neurodegeneration with brain iron accumulation 2B; Autosomal recessive Parkinson disease 14. Last evaluated: 2021-10-29. Review status: criteria provided, single submitter. Criteria: ACMG Guidelines, 2015. Collection method: clinical testing. Allele origin: unknown.

GeneDx
Classification: Uncertain significance. Last evaluated: 2020-01-06. Review status: criteria provided, single submitter. Criteria: GeneDx Variant Classification Process June 2021. Collection method: clinical testing. Allele origin: germline. Affected: yes.
Comment: Not observed at a significant frequency in large population cohorts (Lek et al., 2016); In silico analysis, which includes protein predictors and evolutionary conservation, supports a deleterious effect; Has not been previously published as pathogenic or benign to our knowledge

Literature cited by the submitters: PubMed 35861376 (cited by Broad Center for Mendelian Genomics, Broad Institute of MIT and Harvard and Labcorp Genetics (formerly Invitae), Labcorp).

NM_003560.4(PLA2G6):c.481C>T (p.Arg161Cys)

Gene: PLA2G6 (phospholipase A2 group VI; minus strand). Cytogenetic location: 22q13.1.
Variant type: single nucleotide variant.
Coding change: c.481C>T on transcript NM_003560.4 (MANE Select); coding-DNA position 481, C replaced by T.
Protein change: p.Arg161Cys; replaces arginine 161 with cysteine.
Molecular consequence: missense variant. On other transcripts: 5 prime UTR variant (3).
Genome position (GRCh38, 1-based): chr22:38,143,233, G>A on the plus strand (C>T on the coding strand, the complement: PLA2G6 is on the minus strand). VCF-style: chr22-38143233-G-A. GRCh37 (hg19) VCF-style: chr22-38539240-G-A.
Other names: NM_003560.4(PLA2G6):c.481C>T; p.Arg161Cys; c.481C>T, p.Arg161Cys (NM_001004426.3, NM_001199562.3, NM_001349864.2 and 2 more transcripts); c.-54C>T (NM_001349867.2, NM_001349869.2); c.-10C>T (NM_001349868.2); short protein forms R161C.
Identifiers: ClinVar variation 1214690 (VCV001214690.11), dbSNP rs767260174, ClinGen allele CA10231244.